The following is an entry in ClinVar:

ClinVar aggregate classification (germline): Uncertain significance (1 of 4 stars; one submission).

Conditions:
Hereditary cancer-predisposing syndrome. Also called: Neoplastic Syndromes, Hereditary; Tumor predisposition; Hereditary neoplastic syndrome; Hereditary Cancer Syndrome. Identifiers: Orphanet 140162, MedGen C0027672, MeSH D009386, MONDO:0015356.

Submission:

Ambry Genetics
Classification: Uncertain significance for Hereditary cancer-predisposing syndrome. Last evaluated: 2023-12-07. Review status: criteria provided, single submitter. Criteria: Ambry Variant Classification Scheme 2023. Collection method: clinical testing. Allele origin: germline.
Comment: The p.D239N variant (also known as c.715G>A), located in coding exon 6 of the TSC1 gene, results from a G to A substitution at nucleotide position 715. The aspartic acid at codon 239 is replaced by asparagine, an amino acid with highly similar properties. This amino acid position is conserved. In addition, the in silico prediction for this alteration is inconclusive. Since supporting evidence is limited at this time, the clinical significance of this alteration remains unclear.

NM_000368.5(TSC1):c.715G>A (p.Asp239Asn)

Gene: TSC1 (TSC complex subunit 1; minus strand). Cytogenetic location: 9q34.13.
Variant type: single nucleotide variant.
Coding change: c.715G>A on transcript NM_000368.5 (MANE Select); coding-DNA position 715, G replaced by A.
Protein change: p.Asp239Asn; replaces aspartic acid 239 with asparagine.
Molecular consequence: missense variant. On other transcripts: 5 prime UTR variant (1), non-coding transcript variant (5), intron variant (4).
Genome position (GRCh38, 1-based): chr9:132,921,385, C>T on the plus strand (G>A on the coding strand, the complement: TSC1 is on the minus strand). VCF-style: chr9-132921385-C-T. GRCh37 (hg19) VCF-style: chr9-135796772-C-T.
Other names: c.352G>A, p.Asp118Asn (NM_001406614.1, NM_001406615.1, NM_001406616.1 and 10 more transcripts); c.-379G>A (NM_001406630.1); c.-215+434G>A (NM_001406627.1, NM_001406628.1, NM_001406626.1); c.-357+434G>A (NM_001406629.1); c.715G>A, p.Asp239Asn (NM_001162426.2, NM_001406592.1, NM_001406593.1 and 16 more transcripts); c.562G>A, p.Asp188Asn (NM_001162427.2, NM_001406610.1, NM_001406611.1 and 2 more transcripts); short protein forms D118N, D188N, D239N.
Identifiers: ClinVar variation 3231327 (VCV003231327.1), dbSNP rs2132134651, ClinGen allele CA375371298.